The following is an entry in ClinVar:

ClinVar aggregate classification (germline): Uncertain significance (1 of 4 stars; one submission).

Conditions:
Marfan syndrome (MFS). Also called: FBN1-Related Marfan Syndrome; MARFAN SYNDROME, TYPE I; Marfan syndrome type 1; Marfan's syndrome; Marfan syndrome, classic. Identifiers: Orphanet 284963, Orphanet 558, MedGen C0024796, MONDO:0007947, OMIM 154700.
Familial thoracic aortic aneurysm and aortic dissection (TAAD). Also called: Thoracic aortic aneurysms and dissections. Identifiers: Orphanet 91387, MedGen C4707243, MONDO:0019625.

Submission:

Labcorp Genetics (formerly Invitae), Labcorp
Classification: Uncertain significance for Marfan syndrome; Familial thoracic aortic aneurysm and aortic dissection. Last evaluated: 2025-07-05. Review status: criteria provided, single submitter. Criteria: Invitae Variant Classification Sherloc (09022015). Collection method: clinical testing. Allele origin: germline.
Comment: This sequence change replaces alanine, which is neutral and non-polar, with valine, which is neutral and non-polar, at codon 2218 of the FBN1 protein (p.Ala2218Val). This variant is not present in population databases (gnomAD no frequency). This variant has not been reported in the literature in individuals affected with FBN1-related conditions. Invitae Evidence Modeling of protein sequence and biophysical properties (such as structural, functional, and spatial information, amino acid conservation, physicochemical variation, residue mobility, and thermodynamic stability) indicates that this missense variant is expected to disrupt FBN1 protein function with a positive predictive value of 95%. In summary, the available evidence is currently insufficient to determine the role of this variant in disease. Therefore, it has been classified as a Variant of Uncertain Significance.

NM_000138.5(FBN1):c.6653C>T (p.Ala2218Val)

Gene: FBN1 (fibrillin 1; minus strand). Cytogenetic location: 15q21.1.
Variant type: single nucleotide variant.
Coding change: c.6653C>T on transcript NM_000138.5 (MANE Select); coding-DNA position 6653, C replaced by T.
Protein change: p.Ala2218Val; replaces alanine 2218 with valine.
Molecular consequence: missense variant.
Genome position (GRCh38, 1-based): chr15:48,432,952, G>A on the plus strand (C>T on the coding strand, the complement: FBN1 is on the minus strand). VCF-style: chr15-48432952-G-A. GRCh37 (hg19) VCF-style: chr15-48725149-G-A.
Other names: c.6653C>T, p.Ala2218Val (NM_001406716.1); short protein forms A2218V.
Identifiers: ClinVar variation 4792746 (VCV004792746.1).